The following is an entry in ClinVar:

ClinVar aggregate classification (germline): Uncertain significance (1 of 4 stars; one submission).

Allele frequency attached by ClinVar (database versions not stated): gnomAD 0.00001.

Submission:

Labcorp Genetics (formerly Invitae), Labcorp
Classification: Uncertain significance. Last evaluated: 2024-09-05. Review status: criteria provided, single submitter. Criteria: Invitae Variant Classification Sherloc (09022015). Collection method: clinical testing. Allele origin: germline.
Comment: This sequence change replaces phenylalanine, which is neutral and non-polar, with serine, which is neutral and polar, at codon 586 of the DNA2 protein (p.Phe586Ser). This variant is present in population databases (no rsID available, gnomAD 0.004%). This variant has not been reported in the literature in individuals affected with DNA2-related conditions. ClinVar contains an entry for this variant (Variation ID: 1909578). Invitae Evidence Modeling of protein sequence and biophysical properties (such as structural, functional, and spatial information, amino acid conservation, physicochemical variation, residue mobility, and thermodynamic stability) indicates that this missense variant is not expected to disrupt DNA2 protein function with a negative predictive value of 80%. In summary, the available evidence is currently insufficient to determine the role of this variant in disease. Therefore, it has been classified as a Variant of Uncertain Significance.

NM_001080449.3(DNA2):c.1757T>C (p.Phe586Ser)

Gene: DNA2 (DNA replication helicase/nuclease 2; minus strand). Cytogenetic location: 10q21.3.
Variant type: single nucleotide variant.
Coding change: c.1757T>C on transcript NM_001080449.3 (MANE Select); coding-DNA position 1757, T replaced by C.
Protein change: p.Phe586Ser; replaces phenylalanine 586 with serine.
Molecular consequence: missense variant. On other transcripts: non-coding transcript variant (1).
Genome position (GRCh38, 1-based): chr10:68,432,400, A>G on the plus strand (T>C on the coding strand, the complement: DNA2 is on the minus strand). VCF-style: chr10-68432400-A-G. GRCh37 (hg19) VCF-style: chr10-70192157-A-G.
Other names: short protein forms F586S.
Identifiers: ClinVar variation 1909578 (VCV001909578.5), dbSNP rs1434889698, ClinGen allele CA376857484.